The following is an entry in ClinVar:

ClinVar aggregate classification (germline): Likely benign (1 of 4 stars; one submission).

Conditions:
DICER1-related tumor predisposition. Also called: DICER1 syndrome; DICER1-related pleuropulmonary blastoma cancer predisposition syndrome. Identifiers: Orphanet 284343, MedGen C3839822, MONDO:0100216.

Submission:

Myriad Genetics, Inc.
Classification: Likely benign for DICER1-related tumor predisposition. Last evaluated: 2026-04-10. Review status: criteria provided, single submitter. Criteria: Myriad Autosomal Dominant, Autosomal Recessive and X-Linked Classification Criteria (2023). Collection method: clinical testing. Allele origin: unknown.
Comment: This variant is considered likely benign. This variant is intronic and is not expected to impact mRNA splicing.

NM_177438.3(DICER1):c.145-8G>A

Gene: DICER1 (dicer 1, ribonuclease III; minus strand). Cytogenetic location: 14q32.13.
Variant type: single nucleotide variant.
Coding change: c.145-8G>A on transcript NM_177438.3 (MANE Select); 8 bases into the intron before coding-DNA position 145, G replaced by A.
Molecular consequence: intron variant.
Genome position (GRCh38, 1-based): chr14:95,132,685, C>T on the plus strand (G>A on the coding strand, the complement: DICER1 is on the minus strand). VCF-style: chr14-95132685-C-T. GRCh37 (hg19) VCF-style: chr14-95599022-C-T.
Other names: c.145-8G>A (NM_001291628.2, NM_030621.4, NM_001395677.1 and 14 more transcripts); c.-130-8G>A (NM_001395690.1, NM_001395687.1, NM_001395689.1 and 4 more transcripts); c.-314-8G>A (NM_001395691.1); c.-1424-8G>A (NM_001395697.1).
Identifiers: ClinVar variation 4875918 (VCV004875918.1).